The following is an entry in ClinVar:

ClinVar aggregate classification (germline): Likely benign (1 of 4 stars; one submission).

Allele frequency attached by ClinVar (database versions not stated): ExAC 0.00002.
gnomAD v4.1: 81 of 1,602,568 alleles (0.0051%); highest among the groups gnomAD compares: Non-Finnish European, 0.0068%; no homozygotes.

Submission:

GeneDx
Classification: Likely benign. Last evaluated: 2017-06-06. Review status: criteria provided, single submitter. Criteria: GeneDx Variant Classification (06012015). Collection method: clinical testing. Allele origin: germline. Affected: yes.
Comment: This variant is considered likely benign or benign based on one or more of the following criteria: it is a conservative change, it occurs at a poorly conserved position in the protein, it is predicted to be benign by multiple in silico algorithms, and/or has population frequency not consistent with disease.

NM_015386.3(COG4):c.254+7C>T

Gene: COG4 (component of oligomeric golgi complex 4; minus strand). Cytogenetic location: 16q22.1.
Variant type: single nucleotide variant.
Coding change: c.254+7C>T on transcript NM_015386.3 (MANE Select); 7 bases into the intron after coding-DNA position 254, C replaced by T.
Molecular consequence: intron variant.
Genome position (GRCh38, 1-based): chr16:70,519,642, G>A on the plus strand (C>T on the coding strand, the complement: COG4 is on the minus strand). VCF-style: chr16-70519642-G-A. GRCh37 (hg19) VCF-style: chr16-70553545-G-A.
Other names: c.242+7C>T (NM_001195139.2); c.-346+7C>T (NM_001365426.1).
Identifiers: ClinVar variation 509863 (VCV000509863.1), dbSNP rs201263573, ClinGen allele CA8144768.